The following is an entry in ClinVar:

NM_005502.4(ABCA1):c.5927+3G>A

Gene: ABCA1 (ATP binding cassette subfamily A member 1; minus strand). Cytogenetic location: 9q31.1.
Variant type: single nucleotide variant.
Coding change: c.5927+3G>A on transcript NM_005502.4 (MANE Select); 3 bases into the intron after coding-DNA position 5927, G replaced by A.
Molecular consequence: intron variant.
Genome position (GRCh38, 1-based): chr9:104,790,919, C>T on the plus strand (G>A on the coding strand, the complement: ABCA1 is on the minus strand). VCF-style: chr9-104790919-C-T. GRCh37 (hg19) VCF-style: chr9-107553200-C-T.
Identifiers: ClinVar variation 1482218 (VCV001482218.6), dbSNP rs781652820, ClinGen allele CA5167695.

ClinVar aggregate classification (germline): Uncertain significance (1 of 4 stars; one submission).

Allele frequency attached by ClinVar (database versions not stated): gnomAD exomes below 0.00001; ExAC 0.00001.
gnomAD v4.1: 3 of 1,592,118 alleles (0.00019%); highest among the groups gnomAD compares: South Asian, 0.0011%; no homozygotes.

Submission:

Labcorp Genetics (formerly Invitae), Labcorp
Classification: Uncertain significance. Last evaluated: 2021-06-15. Review status: criteria provided, single submitter. Criteria: Invitae Variant Classification Sherloc (09022015). Collection method: clinical testing. Allele origin: germline.
Comment: In summary, the available evidence is currently insufficient to determine the role of this variant in disease. Therefore, it has been classified as a Variant of Uncertain Significance. Nucleotide substitutions within the consensus splice site are a relatively common cause of aberrant splicing (PMID: 17576681, 9536098). Algorithms developed to predict the effect of sequence changes on RNA splicing suggest that this variant is not likely to affect RNA splicing, but this prediction has not been confirmed by published transcriptional studies. This variant has not been reported in the literature in individuals with ABCA1-related conditions. The frequency data for this variant in the population databases is considered unreliable, as metrics indicate poor data quality at this position in the ExAC database. This sequence change falls in intron 44 of the ABCA1 gene. It does not directly change the encoded amino acid sequence of the ABCA1 protein. It affects a nucleotide within the consensus splice site of the intron.

Literature cited by the submitters: PubMed 17576681; PubMed 9536098.